The following is an entry in ClinVar:

NM_000540.3(RYR1):c.11667G>C (p.Leu3889Phe)

Gene: RYR1 (ryanodine receptor 1; plus strand). Cytogenetic location: 19q13.2.
Variant type: single nucleotide variant.
Coding change: c.11667G>C on transcript NM_000540.3 (MANE Select); coding-DNA position 11667, G replaced by C.
Protein change: p.Leu3889Phe; replaces leucine 3889 with phenylalanine.
Molecular consequence: missense variant.
Genome position (GRCh38, 1-based): chr19:38,537,938, G>C. VCF-style: chr19-38537938-G-C. GRCh37 (hg19) VCF-style: chr19-39028578-G-C.
Other names: c.11652G>C, p.Leu3884Phe (NM_001042723.2); short protein forms L3884F, L3889F.
Identifiers: ClinVar variation 1039206 (VCV001039206.8), dbSNP rs1245124748, ClinGen allele CA405658468.
Genomic context (GRCh38, chr19:38,537,938, plus strand): 5'-AGGAGAGAAGGTCATGGCGGATGATGAATTCACACAAGACCTGTTCCGATTCCTACAATT[G>C]CTCTGTGAGGGGCACAATAATGGTGAGGAGGAGGGGTGTGGGGTGGAGGGGAAGCCGAGG-3'
Protein context (NP_000531.2, residues 3879-3899): FTQDLFRFLQ[Leu3889Phe]LCEGHNNDFQ

ClinVar aggregate classification (germline): Uncertain significance (1 of 4 stars; one submission).

Conditions:
RYR1-related disorder. Also called: RYR1-related condition; RYR1-related disorders. Identifiers: MedGen CN239331.

Allele frequency attached by ClinVar (database versions not stated): TOPMed below 0.00001; gnomAD 0.00001; gnomAD exomes 0.00001.
gnomAD v4.1: 10 of 1,613,690 alleles (0.00062%); highest among the groups gnomAD compares: Non-Finnish European, 0.00085%; no homozygotes.

Submission:

Labcorp Genetics (formerly Invitae), Labcorp
Classification: Uncertain significance for RYR1-related disorder. Last evaluated: 2021-01-06. Review status: criteria provided, single submitter. Criteria: Invitae Variant Classification Sherloc (09022015). Collection method: clinical testing. Allele origin: germline.
Comment: In summary, the available evidence is currently insufficient to determine the role of this variant in disease. Therefore, it has been classified as a Variant of Uncertain Significance. Advanced modeling of protein sequence and biophysical properties (such as structural, functional, and spatial information, amino acid conservation, physicochemical variation, residue mobility, and thermodynamic stability) performed at Invitae indicates that this missense variant is expected to disrupt RYR1 protein function. This variant has not been reported in the literature in individuals with RYR1-related conditions. This variant is not present in population databases (ExAC no frequency). This sequence change replaces leucine with phenylalanine at codon 3889 of the RYR1 protein (p.Leu3889Phe). The leucine residue is highly conserved and there is a small physicochemical difference between leucine and phenylalanine.